The following is an entry in ClinVar:

ClinVar aggregate classification (germline): Uncertain significance (1 of 4 stars; one submission).

Submission:

GeneDx
Classification: Uncertain significance. Last evaluated: 2022-03-18. Review status: criteria provided, single submitter. Criteria: GeneDx Variant Classification Process June 2021. Collection method: clinical testing. Allele origin: germline. Affected: yes.
Comment: Not observed at significant frequency in large population cohorts (gnomAD); Nonsense variant predicted to result in protein truncation as the last 15 amino acids are lost, although loss-of-function variants have not been reported downstream of this position in the protein; Has not been previously published as pathogenic or benign to our knowledge

NM_002655.3(PLAG1):c.1457T>G (p.Leu486Ter)

Gene: PLAG1 (PLAG1 zinc finger; minus strand). Cytogenetic location: 8q12.1.
Variant type: single nucleotide variant.
Coding change: c.1457T>G on transcript NM_002655.3 (MANE Select); coding-DNA position 1457, T replaced by G.
Protein change: p.Leu486Ter; replaces leucine 486 with a stop codon.
Molecular consequence: nonsense.
Genome position (GRCh38, 1-based): chr8:56,166,289, A>C on the plus strand (T>G on the coding strand, the complement: PLAG1 is on the minus strand). VCF-style: chr8-56166289-A-C. GRCh37 (hg19) VCF-style: chr8-57078848-A-C.
Other names: c.1457T>G, p.Leu486Ter (NM_001114634.2); c.1211T>G, p.Leu404Ter (NM_001114635.2); short protein forms L404*, L486*.
Identifiers: ClinVar variation 1706762 (VCV001706762.2), dbSNP rs2487103351, ClinGen allele CA371376337.
Genomic context (GRCh38, chr8:56,166,289, plus strand): 5'-CATGTCCCAGAATCCTACTGAAAAGCTTGATGGAAACGTGGGAGGGTGGTACTTGTGCTT[A>C]AACTGCTGGTGAAAGCTGCTGACAGTGAGTGCAGAGACCCAAGCCCTATAGTGTTTGCAG-3'